The following is an entry in ClinVar:

ClinVar aggregate classification (germline): Conflicting classifications of pathogenicity. Review status: criteria provided, conflicting classifications (1 of 4 stars). 6 submissions from 6 submitters: Uncertain significance (1); Benign (1); Likely benign (4). Last evaluated 2026-01-13.

Conditions:
Cardiovascular phenotype. Identifiers: MedGen CN230736.
SCN10A-related disorder. Also called: SCN10A-related condition.
Brugada syndrome. Also called: Sudden unexpected nocturnal death syndrome; Sudden unexplained nocturnal death syndrome; Sudden Unexplained Death Syndrome; Sudden Unexplained Nocturnal Death Syndrome (SUNDS). Identifiers: Orphanet 130, MedGen C1142166, MONDO:0015263.

Allele frequency attached by ClinVar (database versions not stated): TOPMed 0.00001; gnomAD 0.00003 and 0.00004; ESP Exome Variant Server 0.00008.
gnomAD v4.1: 88 of 1,614,034 alleles (0.0055%); highest among the groups gnomAD compares: Non-Finnish European, 0.007%; no homozygotes.

Submissions (6):

PreventionGenetics, part of Exact Sciences
Classification: Likely benign for SCN10A-related condition. Last evaluated: 2026-01-13. Review status: criteria provided, single submitter. Criteria: ACMG Guidelines, 2015. Collection method: clinical testing. Allele origin: germline.
Comment: This variant is classified as likely benign based on ACMG/AMP sequence variant interpretation guidelines (Richards et al. 2015 PMID: 25741868, with internal and published modifications).

Labcorp Genetics (formerly Invitae), Labcorp
Classification: Likely benign for Brugada syndrome. Last evaluated: 2025-11-05. Review status: criteria provided, single submitter. Criteria: Invitae Variant Classification Sherloc (09022015). Collection method: clinical testing. Allele origin: germline.

Blueprint Genetics
Classification: Likely benign. Last evaluated: 2024-05-17. Review status: criteria provided, single submitter. Criteria: ACMG Guidelines, 2015. Collection method: clinical testing. Allele origin: germline.

Women's Health and Genetics/Laboratory Corporation of America, LabCorp
Classification: Benign. Last evaluated: 2023-05-25. Review status: criteria provided, single submitter. Criteria: LabCorp Variant Classification Summary - May 2015. Collection method: clinical testing. Allele origin: germline.

Ambry Genetics
Classification: Likely benign for Cardiovascular phenotype. Last evaluated: 2022-09-02. Review status: criteria provided, single submitter. Criteria: Ambry Variant Classification Scheme 2023. Collection method: clinical testing. Allele origin: germline.

GeneDx
Classification: Uncertain significance. Last evaluated: 2019-07-10. Review status: criteria provided, single submitter. Criteria: GeneDx Variant Classification Process June 2021. Collection method: clinical testing. Allele origin: germline. Affected: yes.
Comment: Has not been previously reported as pathogenic or benign to our knowledge; Observed in 0.0049% (12/246096) of global alleles in large population cohorts (Lek et al., 2016); In silico analysis, which includes splice algorithms and evolutionary conservation, predict the creation of a cryptic splice donor site upstream of the natural splice donor site for intron 9, which may affect splicing; however, in the absence of functional mRNA studies, the physiological consequence of this variant cannot be precisely determined; The majority of SCN10A variants reported in association with arrhythmia in HGMD are missense variants (Stenson et al., 2014)

NM_006514.4(SCN10A):c.1110G>T (p.Gly370=)

Gene: SCN10A (sodium voltage-gated channel alpha subunit 10; minus strand). Cytogenetic location: 3p22.2.
Variant type: single nucleotide variant.
Coding change: c.1110G>T on transcript NM_006514.4 (MANE Select); coding-DNA position 1110, G replaced by T.
Protein change: p.Gly370=; no amino-acid change (glycine 370 retained).
Molecular consequence: synonymous variant.
Genome position (GRCh38, 1-based): chr3:38,756,854, C>A on the plus strand (G>T on the coding strand, the complement: SCN10A is on the minus strand). VCF-style: chr3-38756854-C-A. GRCh37 (hg19) VCF-style: chr3-38798345-C-A.
Other names: c.1110G>T (NM_006514.3); c.1110G>T, p.Gly370= (NM_001293306.2, NM_001293307.2).
Identifiers: ClinVar variation 451820 (VCV000451820.10), dbSNP rs267599808, ClinGen allele CA2320954.